The following is an entry in ClinVar:

NM_001142966.3(GREB1L):c.503C>T (p.Pro168Leu)

Genes: GREB1L (GREB1 like retinoic acid receptor coactivator; plus strand), LOC101927521 (uncharacterized LOC101927521; minus strand). Cytogenetic location: 18q11.1.
Variant type: single nucleotide variant.
Coding change: c.503C>T on transcript NM_001142966.3 (MANE Select); coding-DNA position 503, C replaced by T.
Protein change: p.Pro168Leu; replaces proline 168 with leucine.
Molecular consequence: missense variant.
Genome position (GRCh38, 1-based): chr18:21,395,532, C>T. VCF-style: chr18-21395532-C-T. GRCh37 (hg19) VCF-style: chr18-18975493-C-T.
Other names: c.503C>T, p.Pro168Leu (NM_001410867.1, NM_001410868.1); short protein forms P168L.
Identifiers: ClinVar variation 3346506 (VCV003346506.1).
Genomic context (GRCh38, chr18:21,395,532, plus strand): 5'-CCAAGTCTCCCAATCTGCCTGAACACATCCTAGTTTGTGCTGTGGACAAGCGATTTCTAC[C>T]AGATGATCATGGAAAAAATGCACTTTTAGGTGAGTGTTTCATGCTTATAAAATTCCTTCC-3'
Protein context (NP_001136438.1, residues 158-178): LVCAVDKRFL[Pro168Leu]DDHGKNALLG

ClinVar aggregate classification (germline): Uncertain significance (0 of 4 stars; one submission).

Conditions:
GREB1L-related disorder. Also called: GREB1L-related condition.

Submission:

PreventionGenetics, part of Exact Sciences
Classification: Uncertain significance for GREB1L-related condition. Last evaluated: 2024-05-06. Review status: no assertion criteria provided. Collection method: clinical testing. Allele origin: germline.
Comment: The GREB1L c.503C>T variant is predicted to result in the amino acid substitution p.Pro168Leu. To our knowledge, this variant has not been reported in the literature or in a large population database, indicating this variant is rare. At this time, the clinical significance of this variant is uncertain due to the absence of conclusive functional and genetic evidence.